The following is an entry in ClinVar:

NM_001458.5(FLNC):c.3618C>G (p.Asn1206Lys)

Gene: FLNC (filamin C; plus strand). Cytogenetic location: 7q32.1.
Variant type: single nucleotide variant.
Coding change: c.3618C>G on transcript NM_001458.5 (MANE Select); coding-DNA position 3618, C replaced by G.
Protein change: p.Asn1206Lys; replaces asparagine 1206 with lysine.
Molecular consequence: missense variant.
Genome position (GRCh38, 1-based): chr7:128,845,083, C>G. VCF-style: chr7-128845083-C-G. GRCh37 (hg19) VCF-style: chr7-128485137-C-G.
Other names: c.3618C>G, p.Asn1206Lys (NM_001127487.2); short protein forms N1206K.
Identifiers: ClinVar variation 4874715 (VCV004874715.2).

ClinVar aggregate classification (germline): Uncertain significance (1 of 4 stars; one submission).

Submission:

CeGaT Center for Human Genetics Tuebingen
Classification: Uncertain significance. Last evaluated: 2026-09-01. Review status: criteria provided, single submitter. Criteria: CeGaT Center For Human Genetics Tuebingen Variant Classification Criteria Version 2. Collection method: clinical testing. Allele origin: germline. Affected: yes. Observed: 2 variant alleles.
Comment: FLNC: PM2